The following is an entry in ClinVar:

NM_145207.3(AFG2A):c.1672G>T (p.Gly558Ter)

Gene: AFG2A (AAA ATPase AFG2A; plus strand). Cytogenetic location: 4q28.1.
Variant type: single nucleotide variant.
Coding change: c.1672G>T on transcript NM_145207.3 (MANE Select); coding-DNA position 1672, G replaced by T.
Protein change: p.Gly558Ter; replaces glycine 558 with a stop codon.
Molecular consequence: nonsense.
Genome position (GRCh38, 1-based): chr4:122,947,446, G>T. VCF-style: chr4-122947446-G-T. GRCh37 (hg19) VCF-style: chr4-123868601-G-T.
Other names: c.1669G>T, p.Gly557Ter (NM_001317799.2, NM_001345856.2); short protein forms G557*, G558*.
Identifiers: ClinVar variation 2196210 (VCV002196210.3), dbSNP rs755167641, ClinGen allele CA3070509.

ClinVar aggregate classification (germline): Pathogenic (1 of 4 stars; one submission).

Conditions:
Microcephaly-intellectual disability-sensorineural hearing loss-epilepsy-abnormal muscle tone syndrome (NEDHSB). Also called: NEURODEVELOPMENTAL DISORDER WITH HEARING LOSS, SEIZURES, AND BRAIN ABNORMALITIES. Identifiers: Orphanet 457351, MedGen C4225276, MONDO:0014698, OMIM 616577.

Allele frequency attached by ClinVar (database versions not stated): gnomAD 0.00001; ExAC 0.00001; gnomAD exomes 0.00001.
gnomAD v4.1: 15 of 1,613,876 alleles (0.00093%); highest among the groups gnomAD compares: South Asian, 0.016%; no homozygotes.

Submission:

Labcorp Genetics (formerly Invitae), Labcorp
Classification: Pathogenic for Microcephaly-intellectual disability-sensorineural hearing loss-epilepsy-abnormal muscle tone syndrome. Last evaluated: 2025-06-22. Review status: criteria provided, single submitter. Criteria: Invitae Variant Classification Sherloc (09022015). Collection method: clinical testing. Allele origin: germline.
Comment: This sequence change creates a premature translational stop signal (p.Gly558*) in the SPATA5 gene. It is expected to result in an absent or disrupted protein product. Loss-of-function variants in SPATA5 are known to be pathogenic (PMID: 26299366). This variant is present in population databases (rs755167641, gnomAD 0.01%). This variant has not been reported in the literature in individuals affected with SPATA5-related conditions. ClinVar contains an entry for this variant (Variation ID: 2196210). For these reasons, this variant has been classified as Pathogenic.

Literature cited by the submitters: PubMed 26299366.